The following is an entry in ClinVar:

ClinVar aggregate classification (germline): Uncertain significance (1 of 4 stars; one submission).

Submission:

Labcorp Genetics (formerly Invitae), Labcorp
Classification: Uncertain significance. Last evaluated: 2021-03-06. Review status: criteria provided, single submitter. Criteria: Invitae Variant Classification Sherloc (09022015). Collection method: clinical testing. Allele origin: germline.
Comment: This sequence change replaces valine with leucine at codon 702 of the CTNNA1 protein (p.Val702Leu). The valine residue is highly conserved and there is a small physicochemical difference between valine and leucine. This variant is not present in population databases (ExAC no frequency). This variant has not been reported in the literature in individuals with CTNNA1-related conditions. Algorithms developed to predict the effect of missense changes on protein structure and function are either unavailable or do not agree on the potential impact of this missense change (SIFT: "Deleterious"; PolyPhen-2: "Possibly Damaging"; Align-GVGD: "Class C0"). In summary, the available evidence is currently insufficient to determine the role of this variant in disease. Therefore, it has been classified as a Variant of Uncertain Significance.

NM_001903.5(CTNNA1):c.2104G>T (p.Val702Leu)

Gene: CTNNA1 (catenin alpha 1; plus strand). Cytogenetic location: 5q31.2.
Variant type: single nucleotide variant.
Coding change: c.2104G>T on transcript NM_001903.5 (MANE Select); coding-DNA position 2104, G replaced by T.
Protein change: p.Val702Leu; replaces valine 702 with leucine.
Molecular consequence: missense variant.
Genome position (GRCh38, 1-based): chr5:138,930,566, G>T. VCF-style: chr5-138930566-G-T. GRCh37 (hg19) VCF-style: chr5-138266255-G-T.
Other names: c.2104G>T, p.Val702Leu (NM_001290307.3, NM_001323982.2, NM_001323983.1 and 2 more transcripts); c.1795G>T, p.Val599Leu (NM_001290309.3); c.1735G>T, p.Val579Leu (NM_001290310.3); c.994G>T, p.Val332Leu (NM_001290312.1, NM_001323987.1, NM_001323988.1 and 17 more transcripts); c.2011G>T, p.Val671Leu (NM_001323986.2); c.655G>T, p.Val219Leu (NM_001324006.1, NM_001324007.1, NM_001324008.1 and 2 more transcripts); c.901G>T, p.Val301Leu (NM_001324011.1); c.751G>T, p.Val251Leu (NM_001324012.1, NM_001324013.1); short protein forms V219L, V599L, V579L, V301L, V332L, V251L, V671L, V702L.
Identifiers: ClinVar variation 1376837 (VCV001376837.8), dbSNP rs2150334548, ClinGen allele CA361133513.